The following is an entry in ClinVar:

ClinVar aggregate classification (germline): Uncertain significance (1 of 4 stars; one submission).

Submission:

Greenwood Genetic Center Diagnostic Laboratories, Greenwood Genetic Center
Classification: Uncertain significance. Last evaluated: 2026-04-24. Review status: criteria provided, single submitter. Criteria: ACMG Guidelines, 2015. Collection method: clinical testing. Allele origin: germline.
Comment: Gene of Uncertain Significance

NM_004515.4(ILF2):c.295A>G (p.Ile99Val)

Gene: ILF2 (interleukin enhancer binding factor 2; minus strand). Cytogenetic location: 1q21.3.
Variant type: single nucleotide variant.
Coding change: c.295A>G on transcript NM_004515.4 (MANE Select); coding-DNA position 295, A replaced by G.
Protein change: p.Ile99Val; replaces isoleucine 99 with valine.
Molecular consequence: missense variant.
Genome position (GRCh38, 1-based): chr1:153,667,654, T>C on the plus strand (A>G on the coding strand, the complement: ILF2 is on the minus strand). VCF-style: chr1-153667654-T-C. GRCh37 (hg19) VCF-style: chr1-153640130-T-C.
Other names: c.181A>G, p.Ile61Val (NM_001267809.2); short protein forms I61V, I99V.
Identifiers: ClinVar variation 4891029 (VCV004891029.1).